The following is an entry in ClinVar:

ClinVar aggregate classification (germline): Uncertain significance. Review status: criteria provided, multiple submitters, no conflicts (2 of 4 stars). 3 submissions from 3 submitters: Uncertain significance (3). Last evaluated 2025-06-30.

Conditions:
Inborn genetic diseases. Identifiers: MedGen C0950123, MeSH D030342.
Ehlers-Danlos syndrome, dermatosparaxis type. Also called: EDS VIIC; Ehlers-Danlos syndrome, type VII, autosomal recessive; Dermatosparaxis. Identifiers: Orphanet 1901, MedGen C2700425, MONDO:0009161, OMIM 225410.

Allele frequency attached by ClinVar (database versions not stated): TOPMed below 0.00001; gnomAD exomes 0.00001; ExAC 0.00003.
gnomAD v4.1: 20 of 1,610,876 alleles (0.0012%); highest among the groups gnomAD compares: Non-Finnish European, 0.0016%; 1 homozygote.

Submissions (3):

Women's Health and Genetics/Laboratory Corporation of America, LabCorp
Classification: Uncertain significance. Last evaluated: 2025-06-30. Review status: criteria provided, single submitter. Criteria: LabCorp Variant Classification Summary - May 2015. Collection method: clinical testing. Allele origin: germline.
Comment: Variant summary: ADAMTS2 c.1478G>A (p.Arg493His) results in a non-conservative amino acid change in the encoded protein sequence. Algorithms developed to predict the effect of missense changes on protein structure and function all suggest that this variant is likely to be disruptive. The variant allele was found at a frequency of 1.2e-05 in 247190 control chromosomes. The available data on variant occurrences in the general population are insufficient to allow any conclusion about variant significance. To our knowledge, no occurrence of c.1478G>A in individuals affected with Ehlers-Danlos syndrome, dermatosparaxis type and no experimental evidence demonstrating its impact on protein function have been reported. ClinVar contains an entry for this variant (Variation ID: 1395618). Based on the evidence outlined above, the variant was classified as uncertain significance.

Ambry Genetics
Classification: Uncertain significance for Inborn genetic diseases. Last evaluated: 2025-01-27. Review status: criteria provided, single submitter. Criteria: Ambry Variant Classification Scheme 2023. Collection method: clinical testing. Allele origin: germline.

Labcorp Genetics (formerly Invitae), Labcorp
Classification: Uncertain significance for Ehlers-Danlos syndrome, dermatosparaxis type. Last evaluated: 2022-06-17. Review status: criteria provided, single submitter. Criteria: Invitae Variant Classification Sherloc (09022015). Collection method: clinical testing. Allele origin: germline.
Comment: This sequence change replaces arginine, which is basic and polar, with histidine, which is basic and polar, at codon 493 of the ADAMTS2 protein (p.Arg493His). This variant is present in population databases (rs758348587, gnomAD 0.004%). This variant has not been reported in the literature in individuals affected with ADAMTS2-related conditions. Algorithms developed to predict the effect of missense changes on protein structure and function (SIFT, PolyPhen-2, Align-GVGD) all suggest that this variant is likely to be disruptive. In summary, the available evidence is currently insufficient to determine the role of this variant in disease. Therefore, it has been classified as a Variant of Uncertain Significance.

NM_014244.5(ADAMTS2):c.1478G>A (p.Arg493His)

Gene: ADAMTS2 (ADAM metallopeptidase with thrombospondin type 1 motif 2; minus strand). Cytogenetic location: 5q35.3.
Variant type: single nucleotide variant.
Coding change: c.1478G>A on transcript NM_014244.5 (MANE Select); coding-DNA position 1478, G replaced by A.
Protein change: p.Arg493His; replaces arginine 493 with histidine.
Molecular consequence: missense variant.
Genome position (GRCh38, 1-based): chr5:179,153,528, C>T on the plus strand (G>A on the coding strand, the complement: ADAMTS2 is on the minus strand). VCF-style: chr5-179153528-C-T. GRCh37 (hg19) VCF-style: chr5-178580529-C-T.
Other names: c.1478G>A, p.Arg493His (NM_021599.4); c.1478G>A (NM_014244.4); short protein forms R493H.
Identifiers: ClinVar variation 1395618 (VCV001395618.5), dbSNP rs758348587, ClinGen allele CA3595903.